The following is an entry in ClinVar:

NM_000138.5(FBN1):c.2695G>A (p.Gly899Arg)

Gene: FBN1 (fibrillin 1; minus strand). Cytogenetic location: 15q21.1.
Variant type: single nucleotide variant.
Coding change: c.2695G>A on transcript NM_000138.5 (MANE Select); coding-DNA position 2695, G replaced by A.
Protein change: p.Gly899Arg; replaces glycine 899 with arginine.
Molecular consequence: missense variant.
Genome position (GRCh38, 1-based): chr15:48,494,237, C>T on the plus strand (G>A on the coding strand, the complement: FBN1 is on the minus strand). VCF-style: chr15-48494237-C-T. GRCh37 (hg19) VCF-style: chr15-48786434-C-T.
Other names: short protein forms G899R.
Identifiers: ClinVar variation 222602 (VCV000222602.3), dbSNP rs869025405, ClinGen allele CA353652.

ClinVar aggregate classification (germline): Uncertain significance (1 of 4 stars; one submission).

Conditions:
Familial thoracic aortic aneurysm and aortic dissection (TAAD). Also called: Thoracic aortic aneurysms and dissections. Identifiers: Orphanet 91387, MedGen C4707243, MONDO:0019625.

Submission:

Ambry Genetics
Classification: Uncertain significance for Familial thoracic aortic aneurysm and aortic dissection. Last evaluated: 2019-09-03. Review status: criteria provided, single submitter. Criteria: Ambry Variant Classification Scheme 2023. Collection method: clinical testing. Allele origin: germline.
Comment: The p.G899R variant (also known as c.2695G>A), located in coding exon 22 of the FBN1 gene, results from a G to A substitution at nucleotide position 2695. The glycine at codon 899 is replaced by arginine, an amino acid with dissimilar properties. Two other variants at this codon, p.G899R (c.2695G>C) and p.G899E (c.2696G>A), have also been associated with MFS, although clinical details were limited (Groth KA et al. Genet. Med., 2017 07;19:772-777; Seo GH et al. Medicine (Baltimore), 2018 May;97:e10767). This amino acid position is highly conserved in available vertebrate species. In addition, this alteration is predicted to be deleterious by in silico analysis. Since supporting evidence is limited at this time, the clinical significance of this alteration remains unclear.

Literature cited by the submitters: PubMed 27906200; PubMed 29768367.